The following is an entry in ClinVar:

ClinVar aggregate classification (germline): Likely benign. Review status: criteria provided, multiple submitters, no conflicts (2 of 4 stars). 3 submissions from 3 submitters: Likely benign (2). 1 of the submissions does not count toward it. Last evaluated 2025-07-23.

Conditions:
GLI2-related disorder. Also called: GLI2-related condition; GLI2-related disorders.
Postaxial polydactyly-anterior pituitary anomalies-facial dysmorphism syndrome. Also called: Culler-Jones syndrome. Identifiers: Orphanet 420584, MedGen C4014479, MONDO:0014369, OMIM 615849.
Holoprosencephaly 9 (HPE9). Also called: PITUITARY ANOMALIES WITH HOLOPROSENCEPHALY-LIKE FEATURES; HOLOPROSENCEPHALY WITH MICROPHTHALMIA AND FIRST BRANCHIAL ARCH ANOMALIES. Identifiers: Orphanet 2162, MedGen C1835819, MONDO:0012563, OMIM 610829.

Allele frequency attached by ClinVar (database versions not stated): ExAC 0.00002; gnomAD exomes 0.00002 and 0.00005; ESP Exome Variant Server 0.00015; gnomAD 0.00021 and 0.00024; TOPMed 0.00023.
gnomAD v4.1: 58 of 1,613,956 alleles (0.0036%); highest among the groups gnomAD compares: African/African-American, 0.063%; no homozygotes.

Submissions (3):

Labcorp Genetics (formerly Invitae), Labcorp
Classification: Likely benign for Postaxial polydactyly-anterior pituitary anomalies-facial dysmorphism syndrome; Holoprosencephaly 9. Last evaluated: 2025-07-23. Review status: criteria provided, single submitter. Criteria: Invitae Variant Classification Sherloc (09022015). Collection method: clinical testing. Allele origin: germline.

CeGaT Center for Human Genetics Tuebingen
Classification: Likely benign. Last evaluated: 2022-04-01. Review status: criteria provided, single submitter. Criteria: CeGaT Center For Human Genetics Tuebingen Variant Classification Criteria Version 2. Collection method: clinical testing. Allele origin: germline. Affected: yes. Observed: 1 variant allele.
Comment: GLI2: BP4, BP7

PreventionGenetics, part of Exact Sciences
Classification: Likely benign for GLI2-related condition. Last evaluated: 2019-11-23. Review status: no assertion criteria provided. Collection method: clinical testing. Allele origin: germline. Not counted in ClinVar's aggregate classification.
Comment: This variant is classified as likely benign based on ACMG/AMP sequence variant interpretation guidelines (Richards et al. 2015 PMID: 25741868, with internal and published modifications).

NM_001374353.1(GLI2):c.4473C>T (p.Pro1491=)

Gene: GLI2 (GLI family zinc finger 2; plus strand). Cytogenetic location: 2q14.2.
Variant type: single nucleotide variant.
Coding change: c.4473C>T on transcript NM_001374353.1 (MANE Select); coding-DNA position 4473, C replaced by T.
Protein change: p.Pro1491=; no amino-acid change (proline 1491 retained).
Molecular consequence: synonymous variant.
Genome position (GRCh38, 1-based): chr2:120,990,438, C>T. VCF-style: chr2-120990438-C-T. GRCh37 (hg19) VCF-style: chr2-121748014-C-T.
Other names: c.4524C>T, p.Pro1508= (NM_001371271.1, NM_005270.5); c.4098C>T, p.Pro1366= (NM_001374354.1).
Identifiers: ClinVar variation 725953 (VCV000725953.32), dbSNP rs139840265, ClinGen allele CA1852639.